The following is an entry in ClinVar:

ClinVar aggregate classification (germline): Uncertain significance. Review status: criteria provided, multiple submitters, no conflicts (2 of 4 stars). 2 submissions from 2 submitters: Uncertain significance (2). Last evaluated 2021-09-08.

Conditions:
Spastic paraplegia. Identifiers: MedGen C0037772, HP:0001258.
Inborn genetic diseases. Identifiers: MedGen C0950123, MeSH D030342.

Allele frequency attached by ClinVar (database versions not stated): TOPMed below 0.00001; ExAC 0.00001; gnomAD 0.00001; gnomAD exomes 0.00001.
gnomAD v4.1: 13 of 1,614,098 alleles (0.00081%); highest among the groups gnomAD compares: Middle Eastern, 0.016%; no homozygotes.

Submissions (2):

Labcorp Genetics (formerly Invitae), Labcorp
Classification: Uncertain significance for Spastic paraplegia. Last evaluated: 2021-09-08. Review status: criteria provided, single submitter. Criteria: Invitae Variant Classification Sherloc (09022015). Collection method: clinical testing. Allele origin: germline.
Comment: This sequence change replaces serine with asparagine at codon 792 of the ZFYVE26 protein (p.Ser792Asn). The serine residue is highly conserved and there is a small physicochemical difference between serine and asparagine. This variant is present in population databases (rs757099331, ExAC 0.001%). This variant has not been reported in the literature in individuals affected with ZFYVE26-related conditions. Algorithms developed to predict the effect of missense changes on protein structure and function (SIFT, PolyPhen-2, Align-GVGD) all suggest that this variant is likely to be tolerated. In summary, the available evidence is currently insufficient to determine the role of this variant in disease. Therefore, it has been classified as a Variant of Uncertain Significance.

Ambry Genetics
Classification: Uncertain significance for Inborn genetic diseases. Last evaluated: 2021-07-27. Review status: criteria provided, single submitter. Criteria: Ambry Variant Classification Scheme 2023. Collection method: clinical testing. Allele origin: germline.

NM_015346.4(ZFYVE26):c.2375G>A (p.Ser792Asn)

Gene: ZFYVE26 (zinc finger FYVE-type containing 26; minus strand). Cytogenetic location: 14q24.1.
Variant type: single nucleotide variant.
Coding change: c.2375G>A on transcript NM_015346.4 (MANE Select); coding-DNA position 2375, G replaced by A.
Protein change: p.Ser792Asn; replaces serine 792 with asparagine.
Molecular consequence: missense variant.
Genome position (GRCh38, 1-based): chr14:67,794,197, C>T on the plus strand (G>A on the coding strand, the complement: ZFYVE26 is on the minus strand). VCF-style: chr14-67794197-C-T. GRCh37 (hg19) VCF-style: chr14-68260914-C-T.
Other names: c.2375G>A (NM_015346.3); short protein forms S792N.
Identifiers: ClinVar variation 2164708 (VCV002164708.2), dbSNP rs757099331, ClinGen allele CA7240307.